The following is an entry in ClinVar:

NM_015459.5(ATL3):c.853A>G (p.Ile285Val)

Genes: ATL3 (atlastin GTPase 3; minus strand), LNCROPM (lncRNA regulator of PLAAT3 mediated phospholipid metabolism; plus strand). Cytogenetic location: 11q13.1.
Variant type: single nucleotide variant.
Coding change: c.853A>G on transcript NM_015459.5 (MANE Select); coding-DNA position 853, A replaced by G.
Protein change: p.Ile285Val; replaces isoleucine 285 with valine.
Molecular consequence: missense variant.
Genome position (GRCh38, 1-based): chr11:63,636,332, T>C on the plus strand (A>G on the coding strand, the complement: ATL3 is on the minus strand). VCF-style: chr11-63636332-T-C. GRCh37 (hg19) VCF-style: chr11-63403804-T-C.
Other names: c.799A>G, p.Ile267Val (NM_001290048.2); short protein forms I285V, I267V.
Identifiers: ClinVar variation 541686 (VCV000541686.8), dbSNP rs1031320296, ClinGen allele CA223741761.

ClinVar aggregate classification (germline): Uncertain significance (1 of 4 stars; one submission).

Conditions:
Neuropathy, hereditary sensory, type 1F. Also called: HSN IF; Hereditary sensory neuropathy type IF. Identifiers: Orphanet 36386, MedGen C3810194, MONDO:0014286, OMIM 615632.

Allele frequency attached by ClinVar (database versions not stated): gnomAD exomes below 0.00001.
gnomAD v4.1: 1 of 1,614,008 alleles (0.000062%); highest among the groups gnomAD compares: Non-Finnish European, 0.000085%; no homozygotes.

Submission:

Labcorp Genetics (formerly Invitae), Labcorp
Classification: Uncertain significance for Neuropathy, hereditary sensory, type 1F. Last evaluated: 2020-12-04. Review status: criteria provided, single submitter. Criteria: Invitae Variant Classification Sherloc (09022015). Collection method: clinical testing. Allele origin: germline.
Comment: This variant has not been reported in the literature in individuals with ATL3-related disease. This variant is not present in population databases (ExAC no frequency). This sequence change replaces isoleucine with valine at codon 285 of the ATL3 protein (p.Ile285Val). The isoleucine residue is highly conserved and there is a small physicochemical difference between isoleucine and valine. In summary, the available evidence is currently insufficient to determine the role of this variant in disease. Therefore, it has been classified as a Variant of Uncertain Significance. Algorithms developed to predict the effect of missense changes on protein structure and function output the following: SIFT: "Tolerated"; PolyPhen-2: "Benign"; Align-GVGD: "Class C0". The valine amino acid residue is found in multiple mammalian species, suggesting that this missense change does not adversely affect protein function. These predictions have not been confirmed by published functional studies and their clinical significance is uncertain.